The following is an entry in ClinVar:

NM_012186.3(FOXE3):c.496C>A (p.Arg166Ser)

Genes: FOXE3 (forkhead box E3; plus strand), LINC01389 (long intergenic non-protein coding RNA 1389; minus strand). Cytogenetic location: 1p33.
Variant type: single nucleotide variant.
Coding change: c.496C>A on transcript NM_012186.3 (MANE Select); coding-DNA position 496, C replaced by A.
Protein change: p.Arg166Ser; replaces arginine 166 with serine.
Molecular consequence: missense variant.
Genome position (GRCh38, 1-based): chr1:47,416,811, C>A. VCF-style: chr1-47416811-C-A. GRCh37 (hg19) VCF-style: chr1-47882483-C-A.
Other names: short protein forms R166S.
Identifiers: ClinVar variation 2625493 (VCV002625493.2), dbSNP rs777792086, ClinGen allele CA842983.

ClinVar aggregate classification (germline): Uncertain significance (1 of 4 stars; one submission).

Conditions:
Cardiovascular phenotype. Identifiers: MedGen CN230736.

Allele frequency attached by ClinVar (database versions not stated): ExAC 0.00001; gnomAD exomes 0.00001.

Submission:

Ambry Genetics
Classification: Uncertain significance for Cardiovascular phenotype. Last evaluated: 2023-09-11. Review status: criteria provided, single submitter. Criteria: Ambry Variant Classification Scheme 2023. Collection method: clinical testing. Allele origin: germline.
Comment: The p.R166S variant (also known as c.496C>A), located in coding exon 1 of the FOXE3 gene, results from a C to A substitution at nucleotide position 496. The arginine at codon 166 is replaced by serine, an amino acid with dissimilar properties. This amino acid position is conserved. In addition, the in silico prediction for this alteration is inconclusive. Since supporting evidence is limited at this time, the clinical significance of this alteration remains unclear.